The following is an entry in ClinVar:

NM_182641.4(BPTF):c.2346_2349del (p.Thr783fs)

Gene: BPTF (bromodomain PHD finger transcription factor; plus strand). Cytogenetic location: 17q24.2.
Variant type: Microsatellite.
Coding change: c.2346_2349del on transcript NM_182641.4 (MANE Select); coding-DNA positions 2346 to 2349, 4 bases deleted (GACT; older notation c.2346_2349delGACT).
Protein change: p.Thr783fs; shifts the reading frame from threonine 783.
Molecular consequence: frameshift variant.
Genome position (GRCh38, 1-based): chr17:67,893,660-67,893,663, GACT deleted; deleting any 4 consecutive bases within chr17:67,893,656-67,893,663 gives the same sequence; the c. name uses the placement nearest the transcript's 3' end. VCF-style (leftmost placement, unchanged base first): chr17-67893655-AGACT-A. GRCh37 (hg19) VCF-style: chr17-65889771-AGACT-A.
Other names: c.2724_2727del, p.Thr909fs (NM_004459.7); c.2724_2727del (NM_004459.6); short protein forms T783fs, T909fs.
Identifiers: ClinVar variation 985444 (VCV000985444.4), dbSNP rs2061265539, ClinGen allele CA2271949993.
Genomic context (GRCh38, chr17:67,893,655, plus strand): 5'-GGAGAGTTCAAATGGAACGGTTCTGTCCATGGGTCCAAAGTTCTTACCATATCTACTCTG[AGACT>A]GACTATCACCCAATTAGAAAACAACATCCCTTCATCCTTTCTTCATCCCAACTGGGCATC-3'

ClinVar aggregate classification (germline): Pathogenic. Review status: criteria provided, multiple submitters, no conflicts (2 of 4 stars). 2 submissions from 2 submitters: Pathogenic (2). Last evaluated 2023-06-15.

Conditions:
Inborn genetic diseases. Identifiers: MedGen C0950123, MeSH D030342.

Submissions (2):

GeneDx
Classification: Pathogenic. Last evaluated: 2023-06-15. Review status: criteria provided, single submitter. Criteria: GeneDx Variant Classification Process June 2021. Collection method: clinical testing. Allele origin: germline. Affected: yes.
Comment: Frameshift variant predicted to result in protein truncation or nonsense mediated decay in a gene for which loss of function is a known mechanism of disease; Not observed at significant frequency in large population cohorts (gnomAD); This variant is associated with the following publications: (PMID: 33522091)

Ambry Genetics
Classification: Pathogenic for Inborn genetic diseases. Last evaluated: 2018-09-17. Review status: criteria provided, single submitter. Criteria: Ambry exome assertion method (8-5-2015). Collection method: clinical testing. Allele origin: germline. Affected: yes. Observed: 1 variant allele.